The following is an entry in ClinVar:

ClinVar aggregate classification (germline): Benign (1 of 4 stars; one submission).

Allele frequency attached by ClinVar (database versions not stated): gnomAD exomes 0.01442; gnomAD 0.13716 and 0.14713; 1000 Genomes Project 0.15176; TOPMed 0.15502; 1000 Genomes Project 30x 0.16052.
gnomAD v4.1: 40,441 of 1,453,498 alleles (2.8%); highest among the groups gnomAD compares: African/African-American, 48%; 8,558 homozygotes.

Submission:

GeneDx
Classification: Benign. Last evaluated: 2019-10-16. Review status: criteria provided, single submitter. Criteria: GeneDx Variant Classification Process June 2021. Collection method: clinical testing. Allele origin: germline. Affected: yes.
Comment: This variant is associated with the following publications: (PMID: 30786001)

NM_020547.3(AMHR2):c.50-116C>A

Gene: AMHR2 (anti-Mullerian hormone receptor type 2; plus strand). Cytogenetic location: 12q13.13.
Variant type: single nucleotide variant.
Coding change: c.50-116C>A on transcript NM_020547.3 (MANE Select); 116 bases into the intron before coding-DNA position 50, C replaced by A.
Molecular consequence: intron variant.
Genome position (GRCh38, 1-based): chr12:53,424,172, C>A. VCF-style: chr12-53424172-C-A. GRCh37 (hg19) VCF-style: chr12-53817956-C-A.
Other names: c.50-116C>A (NM_001164690.2, NM_001164691.2).
Identifiers: ClinVar variation 1280959 (VCV001280959.1), dbSNP rs784894, ClinGen allele CA13709335.